The following is an entry in ClinVar:

ClinVar aggregate classification (germline): Conflicting classifications of pathogenicity. Review status: criteria provided, conflicting classifications (1 of 4 stars). 13 submissions from 13 submitters: Uncertain significance (2); Benign (1); Likely benign (10). Last evaluated 2026-01-28.

Conditions:
Tuberous sclerosis syndrome (TSC). Also called: Tuberous Sclerosis Complex; Tuberous sclerosis. Identifiers: Orphanet 805, MedGen C0041341, MONDO:0001734.
Lymphangiomyomatosis (LAM). Also called: Lymphangioleiomyomatosis; Lymphangioleiomyomatosis, somatic. Identifiers: Orphanet 538, MedGen C0751674, MONDO:0011705, OMIM 606690.
Tuberous sclerosis 2 (TSC2). Identifiers: Orphanet 805, MedGen C1860707, MONDO:0013199, OMIM 613254.
Isolated focal cortical dysplasia type II (FCORD2). Also called: CORTICAL DYSPLASIA OF TAYLOR; Focal cortical dysplasia type II. Identifiers: Orphanet 268994, MedGen C1846385, MONDO:0011818, OMIM 607341, HP:0032051.
Hereditary cancer-predisposing syndrome. Also called: Tumor predisposition; Neoplastic Syndromes, Hereditary; Hereditary Cancer Syndrome; Hereditary neoplastic syndrome. Identifiers: Orphanet 140162, MedGen C0027672, MeSH D009386, MONDO:0015356.

Allele frequency attached by ClinVar (database versions not stated): gnomAD 0.00010; TOPMed 0.00050.
gnomAD v4.1: 105 of 1,613,588 alleles (0.0065%); highest among the groups gnomAD compares: Non-Finnish European, 0.0065%; 2 homozygotes.

Submissions (13):

Labcorp Genetics (formerly Invitae), Labcorp
Classification: Benign for Tuberous sclerosis 2. Last evaluated: 2026-01-28. Review status: criteria provided, single submitter. Criteria: Invitae Variant Classification Sherloc (09022015). Collection method: clinical testing. Allele origin: germline.

Myriad Genetics, Inc.
Classification: Likely benign for Tuberous sclerosis 2. Last evaluated: 2025-05-14. Review status: criteria provided, single submitter. Criteria: Myriad Autosomal Dominant, Autosomal Recessive and X-Linked Classification Criteria (2023). Collection method: clinical testing. Allele origin: unknown.
Comment: This variant is considered likely benign. This variant has been observed at a population frequency that is significantly greater than expected given the associated disease prevalence and penetrance.

Blueprint Genetics
Classification: Likely benign. Last evaluated: 2024-11-22. Review status: criteria provided, single submitter. Criteria: ACMG Guidelines, 2015. Collection method: clinical testing. Allele origin: germline.

Women's Health and Genetics/Laboratory Corporation of America, LabCorp
Classification: Likely benign. Last evaluated: 2024-10-01. Review status: criteria provided, single submitter. Criteria: LabCorp Variant Classification Summary - May 2015. Collection method: clinical testing. Allele origin: germline.
Comment: Variant summary: TSC2 c.1577G>C (p.Ser526Thr) results in a conservative amino acid change in the encoded protein sequence. Three of five in-silico tools predict a benign effect of the variant on protein function. The variant allele was found at a frequency of 5.2e-05 in 251166 control chromosomes, predominantly at a frequency of 0.00011 within the Non-Finnish European subpopulation in the gnomAD database. The observed variant frequency within Non-Finnish European control individuals in the gnomAD database is approximately 1.6 fold of the estimated maximal expected allele frequency for a pathogenic variant in TSC2 causing Tuberous Sclerosis Complex phenotype (6.9e-05). To our knowledge, no occurrence of c.1577G>C in individuals affected with Tuberous Sclerosis Complex and no experimental evidence demonstrating its impact on protein function have been reported. ClinVar contains an entry for this variant (Variation ID: 207659). Based on the evidence outlined above, the variant was classified as likely benign.

Quest Diagnostics Nichols Institute San Juan Capistrano
Classification: Uncertain significance. Last evaluated: 2024-01-11. Review status: criteria provided, single submitter. Criteria: Quest Diagnostics criteria. Collection method: clinical testing. Allele origin: unknown.

Color Diagnostics, LLC DBA Color Health
Classification: Likely benign for Tuberous sclerosis syndrome. Last evaluated: 2022-09-20. Review status: criteria provided, single submitter. Criteria: ACMG Guidelines, 2015. Collection method: clinical testing. Allele origin: germline.

Genome-Nilou Lab
Classification: Likely benign for Tuberous sclerosis 2. Last evaluated: 2021-11-07. Review status: criteria provided, single submitter. Criteria: ACMG Guidelines, 2015. Collection method: clinical testing. Allele origin: germline. Affected: no.

Sema4
Classification: Likely benign for Hereditary cancer-predisposing syndrome. Last evaluated: 2021-04-15. Review status: criteria provided, single submitter. Criteria: Sema4 Curation Guidelines. Collection method: curation. Allele origin: germline.

GeneDx
Classification: Likely benign. Last evaluated: 2020-09-23. Review status: criteria provided, single submitter. Criteria: GeneDx Variant Classification Process June 2021. Collection method: clinical testing. Allele origin: germline. Affected: yes.

CeGaT Center for Human Genetics Tuebingen
Classification: Likely benign. Last evaluated: 2020-04-01. Review status: criteria provided, single submitter. Criteria: CeGaT Center For Human Genetics Tuebingen Variant Classification Criteria Version 2. Collection method: clinical testing. Allele origin: germline. Affected: yes. Observed: 1 variant allele.

Ambry Genetics
Classification: Likely benign for Hereditary cancer-predisposing syndrome. Last evaluated: 2018-12-06. Review status: criteria provided, single submitter. Criteria: Ambry Variant Classification Scheme 2023. Collection method: clinical testing. Allele origin: germline.

Eurofins Ntd Llc (ga)
Classification: Likely benign. Last evaluated: 2018-03-02. Review status: criteria provided, single submitter. Criteria: EGL ClinVar v180209 classification definitions. Collection method: clinical testing. Allele origin: germline. Observed: 1 variant allele, 1 heterozygote.

Center for Genomics, Ann and Robert H. Lurie Children's Hospital of Chicago
Classification: Uncertain significance for Lymphangiomyomatosis; Isolated focal cortical dysplasia type II; Tuberous sclerosis 2. Review status: criteria provided, single submitter. Criteria: ACMG Guidelines, 2015. Collection method: clinical testing. Allele origin: germline.
Comment: TSC2 NM_000548 exon 15 p.Ser526Thr (c.1577G>C): This variant has not been reported in the literature but is present in 15/126622 European alleles in the Genome Aggregation Database. This variant is present in ClinVar (Variation ID:207659). Evolutionary conservation and computational predictive tools suggest that this variant may impact the protein. In summary, data on this variant is insufficient for disease classification. Therefore, the clinical significance of this variant is uncertain.

Literature cited by the submitters: PubMed 31874108 (cited by Quest Diagnostics Nichols Institute San Juan Capistrano); PubMed 29641532 (cited by Quest Diagnostics Nichols Institute San Juan Capistrano); PubMed 31484976 (cited by Quest Diagnostics Nichols Institute San Juan Capistrano).

NM_000548.5(TSC2):c.1577G>C (p.Ser526Thr)

Gene: TSC2 (TSC complex subunit 2; plus strand). Cytogenetic location: 16p13.3.
Variant type: single nucleotide variant.
Coding change: c.1577G>C on transcript NM_000548.5 (MANE Select); coding-DNA position 1577, G replaced by C.
Protein change: p.Ser526Thr; replaces serine 526 with threonine.
Molecular consequence: missense variant.
Genome position (GRCh38, 1-based): chr16:2,064,405, G>C. VCF-style: chr16-2064405-G-C. GRCh37 (hg19) VCF-style: chr16-2114406-G-C.
Other names: p.S526T:AGC>ACC; c.1577G>C, p.Ser526Thr (NM_001077183.3, NM_001114382.3, NM_001363528.2 and 3 more transcripts); c.1466G>C, p.Ser489Thr (NM_001318827.2); c.1430G>C, p.Ser477Thr (NM_001318829.2); c.977G>C, p.Ser326Thr (NM_001318831.2); c.1610G>C, p.Ser537Thr (NM_001318832.2); short protein forms S526T, S477T, S537T, S326T, S489T.
Identifiers: ClinVar variation 207659 (VCV000207659.70), dbSNP rs376573446, ClinGen allele CA031106.